The following is an entry in ClinVar:

ClinVar aggregate classification (germline): Uncertain significance (1 of 4 stars; one submission).

Conditions:
Hereditary spastic paraplegia 28. Also called: Spastic paraplegia 28, autosomal recessive. Identifiers: Orphanet 101008, MedGen C1836295, MONDO:0012256, OMIM 609340.

Submission:

Labcorp Genetics (formerly Invitae), Labcorp
Classification: Uncertain significance for Hereditary spastic paraplegia 28. Last evaluated: 2025-02-24. Review status: criteria provided, single submitter. Criteria: Invitae Variant Classification Sherloc (09022015). Collection method: clinical testing. Allele origin: germline.
Comment: This sequence change replaces serine, which is neutral and polar, with proline, which is neutral and non-polar, at codon 781 of the DDHD1 protein (p.Ser781Pro). This variant is not present in population databases (gnomAD no frequency). This variant has not been reported in the literature in individuals affected with DDHD1-related conditions. ClinVar contains an entry for this variant (Variation ID: 1491755). Invitae Evidence Modeling of protein sequence and biophysical properties (such as structural, functional, and spatial information, amino acid conservation, physicochemical variation, residue mobility, and thermodynamic stability) indicates that this missense variant is not expected to disrupt DDHD1 protein function with a negative predictive value of 80%. In summary, the available evidence is currently insufficient to determine the role of this variant in disease. Therefore, it has been classified as a Variant of Uncertain Significance.

NM_001160148.2(DDHD1):c.2320T>C (p.Ser774Pro)

Gene: DDHD1 (DDHD domain containing 1; minus strand). Cytogenetic location: 14q22.1.
Variant type: single nucleotide variant.
Coding change: c.2320T>C on transcript NM_001160148.2 (MANE Select); coding-DNA position 2320, T replaced by C.
Protein change: p.Ser774Pro; replaces serine 774 with proline.
Molecular consequence: missense variant.
Genome position (GRCh38, 1-based): chr14:53,054,555, A>G on the plus strand (T>C on the coding strand, the complement: DDHD1 is on the minus strand). VCF-style: chr14-53054555-A-G. GRCh37 (hg19) VCF-style: chr14-53521273-A-G.
Other names: c.2341T>C, p.Ser781Pro (NM_001160147.2); c.2320T>C, p.Ser774Pro (NM_030637.3); short protein forms S774P, S781P.
Identifiers: ClinVar variation 1491755 (VCV001491755.8), dbSNP rs2139835148, ClinGen allele CA389769840.